The following is an entry in ClinVar:

ClinVar aggregate classification (germline): Uncertain significance. Review status: criteria provided, multiple submitters, no conflicts (2 of 4 stars). 2 submissions from 2 submitters: Uncertain significance (2). Last evaluated 2024-01-04.

Conditions:
Parathyroid carcinoma (PRTC). Also called: Parathyroid gland carcinoma; CDC73-Related Parathyroid Carcinoma. Identifiers: Orphanet 143, MedGen C0687150, MONDO:0012004, OMIM 608266, HP:0006780.
Hyperparathyroidism 1 (HRPT1). Also called: HYPERPARATHYROIDISM, FAMILIAL ISOLATED PRIMARY. Identifiers: Orphanet 99879, MedGen C1840402, MONDO:0007767, OMIM 145000.

Submissions (2):

Institute of Human Genetics, University of Leipzig Medical Center
Classification: Uncertain significance for Hyperparathyroidism 1. Last evaluated: 2024-01-04. Review status: criteria provided, single submitter. Criteria: ACMG Guidelines, 2015. Collection method: clinical testing. Allele origin: unknown. Inheritance: Autosomal dominant inheritance. Affected: yes.
Comment: Criteria applied: PM2_SUP,PM4_SUP

Labcorp Genetics (formerly Invitae), Labcorp
Classification: Uncertain significance for Parathyroid carcinoma. Last evaluated: 2023-08-11. Review status: criteria provided, single submitter. Criteria: Invitae Variant Classification Sherloc (09022015). Collection method: clinical testing. Allele origin: germline.
Comment: In summary, the available evidence is currently insufficient to determine the role of this variant in disease. Therefore, it has been classified as a Variant of Uncertain Significance. Experimental studies and prediction algorithms are not available or were not evaluated, and the functional significance of this variant is currently unknown. This variant has not been reported in the literature in individuals affected with CDC73-related conditions. This variant is not present in population databases (gnomAD no frequency). This variant, c.195_197del, results in the deletion of 1 amino acid(s) of the CDC73 protein (p.Asn66del), but otherwise preserves the integrity of the reading frame.

NM_024529.5(CDC73):c.192TAA[1] (p.Asn66del)

Gene: CDC73 (cell division cycle 73; plus strand). Cytogenetic location: 1q31.2.
Variant type: Microsatellite.
Coding change: c.192TAA[1] on transcript NM_024529.5 (MANE Select); one copy of the 3-base unit TAA starting at c.192; the reference has two copies in a row; one copy, 3 bases deleted; also written c.195_197del.
Protein change: p.Asn66del; deletes asparagine 66.
Genome position (GRCh38, 1-based): chr1:193,125,175-193,125,177, TAA deleted; deleting any 3 consecutive bases within chr1:193,125,172-193,125,177 gives the same sequence; the position shown is the placement nearest the transcript's 3' end. VCF-style (leftmost placement, unchanged base first): chr1-193125171-TTAA-T. GRCh37 (hg19) VCF-style: chr1-193094301-TTAA-T.
Other names: c.195_197del (NM_024529.5); short protein forms N66del.
Identifiers: ClinVar variation 2691860 (VCV002691860.4), dbSNP rs2527289490, ClinGen allele CA2697554809.